The following is an entry in ClinVar:

NM_001003694.2(BRPF1):c.789del (p.Gly264fs)

Gene: BRPF1 (bromodomain and PHD finger containing 1; plus strand). Cytogenetic location: 3p25.3.
Variant type: Deletion.
Coding change: c.789del on transcript NM_001003694.2 (MANE Select); coding-DNA position 789, one base deleted (A; older notation c.789delA).
Protein change: p.Gly264fs; shifts the reading frame from glycine 264.
Molecular consequence: frameshift variant. On other transcripts: non-coding transcript variant (1).
Genome position (GRCh38, 1-based): chr3:9,739,188, A deleted; the last of 3 consecutive A bases (chr3:9,739,186-9,739,188); deleting any one gives the same sequence. VCF-style (leftmost placement, unchanged base first): chr3-9739185-TA-T. GRCh37 (hg19) VCF-style: chr3-9780869-TA-T.
Other names: c.789del, p.Gly264fs (NM_001319049.2, NM_001319050.2, NM_001410704.1 and 1 more transcripts); short protein forms G264fs.
Identifiers: ClinVar variation 2633009 (VCV002633009.2), dbSNP rs2471469955, ClinGen allele CA2695197728.

ClinVar aggregate classification (germline): Pathogenic (1 of 4 stars; one submission).

Conditions:
BRPF1-related disorder. Also called: BRPF1-related condition.

Submission:

PreventionGenetics, part of Exact Sciences
Classification: Pathogenic for BRPF1-related condition. Last evaluated: 2026-08-13. Review status: criteria provided, single submitter. Criteria: ACMG Guidelines, 2015. Collection method: clinical testing. Allele origin: germline.
Comment: The BRPF1 c.789delA variant is predicted to result in a frameshift and premature protein termination (p.Gly264Alafs*6). To our knowledge, this variant has not been reported in the literature or in a large population database (gnomAD), indicating this variant is rare. Frameshift variants in BRPF1 are expected to be pathogenic. This variant is interpreted as pathogenic.